The following is an entry in ClinVar:

ClinVar aggregate classification (germline): Conflicting classifications of pathogenicity. Review status: criteria provided, conflicting classifications (1 of 4 stars). 6 submissions from 6 submitters: Uncertain significance (4); Likely benign (2). Last evaluated 2025-12-29.

Conditions:
Charcot-Marie-Tooth disease axonal type 2S. Also called: CHARCOT-MARIE-TOOTH DISEASE, AXONAL, AUTOSOMAL RECESSIVE, TYPE 2S; CHARCOT-MARIE-TOOTH NEUROPATHY, TYPE 2S. Identifiers: Orphanet 443073, MedGen C4015349, MONDO:0014511, OMIM 616155.
Autosomal recessive distal spinal muscular atrophy 1. Also called: HMN VI; NEURONOPATHY, SEVERE INFANTILE AXONAL, WITH RESPIRATORY FAILURE; SEVERE INFANTILE AXONAL NEUROPATHY WITH RESPIRATORY FAILURE; SPINAL MUSCULAR ATROPHY, DIAPHRAGMATIC; Spinal muscular atrophy with respiratory distress 1; NEURONOPATHY, DISTAL HEREDITARY MOTOR, HARDING TYPE VI. Identifiers: Orphanet 98920, MedGen C1858517, MONDO:0011436, OMIM 604320.
Charcot-Marie-Tooth disease. Also called: Charcot-Marie-Tooth Neuropathy; Charcot-Marie-Tooth Hereditary Neuropathy. Identifiers: Orphanet 166, MedGen C0007959, MONDO:0015626.
Inborn genetic diseases. Identifiers: MedGen C0950123, MeSH D030342.

Allele frequency attached by ClinVar (database versions not stated): gnomAD exomes 0.00013 and 0.00016; gnomAD 0.00017 and 0.00019; 1000 Genomes Project 0.00020; ExAC 0.00020; TOPMed 0.00027; 1000 Genomes Project 30x 0.00031; ESP Exome Variant Server 0.00031.
gnomAD v4.1: 217 of 1,614,170 alleles (0.013%); highest among the groups gnomAD compares: Admixed American, 0.027%; no homozygotes.

Submissions (6):

Labcorp Genetics (formerly Invitae), Labcorp
Classification: Likely benign for Autosomal recessive distal spinal muscular atrophy 1; Charcot-Marie-Tooth disease axonal type 2S. Last evaluated: 2025-12-29. Review status: criteria provided, single submitter. Criteria: Invitae Variant Classification Sherloc (09022015). Collection method: clinical testing. Allele origin: germline.

GeneDx
Classification: Uncertain significance. Last evaluated: 2025-01-08. Review status: criteria provided, single submitter. Criteria: GeneDx Variant Classification Process June 2021. Collection method: clinical testing. Allele origin: germline. Affected: yes.
Comment: Reported previously in a patient with suspected Charcot-Marie-Tooth disease; however, no further clinical or segregation information was provided (PMID: 32376792); In silico analysis indicates that this missense variant does not alter protein structure/function; This variant is associated with the following publications: (PMID: 32376792, 25439726, 22965130)

Ambry Genetics
Classification: Likely benign for Inborn genetic diseases. Last evaluated: 2024-06-04. Review status: criteria provided, single submitter. Criteria: Ambry Variant Classification Scheme 2023. Collection method: clinical testing. Allele origin: germline.

CeGaT Center for Human Genetics Tuebingen
Classification: Uncertain significance. Last evaluated: 2023-01-01. Review status: criteria provided, single submitter. Criteria: CeGaT Center For Human Genetics Tuebingen Variant Classification Criteria Version 2. Collection method: clinical testing. Allele origin: germline. Affected: yes. Observed: 1 variant allele.
Comment: IGHMBP2: PM2, BP4

Illumina Laboratory Services, Illumina
Classification: Uncertain significance for Autosomal recessive distal spinal muscular atrophy 1. Last evaluated: 2018-01-13. Review status: criteria provided, single submitter. Criteria: ICSL Variant Classification Criteria 13 December 2019. Collection method: clinical testing. Allele origin: germline.

Molecular Genetics Laboratory, London Health Sciences Centre
Classification: Uncertain significance for Charcot-Marie-Tooth disease. Review status: criteria provided, single submitter. Criteria: ACMG Guidelines, 2015. Collection method: clinical testing. Allele origin: germline. Affected: yes.

NM_002180.3(IGHMBP2):c.1844G>A (p.Arg615His)

Gene: IGHMBP2 (immunoglobulin mu DNA binding protein 2; plus strand). Cytogenetic location: 11q13.3.
Variant type: single nucleotide variant.
Coding change: c.1844G>A on transcript NM_002180.3 (MANE Select); coding-DNA position 1844, G replaced by A.
Protein change: p.Arg615His; replaces arginine 615 with histidine.
Molecular consequence: missense variant.
Genome position (GRCh38, 1-based): chr11:68,936,324, G>A. VCF-style: chr11-68936324-G-A. GRCh37 (hg19) VCF-style: chr11-68703792-G-A.
Other names: short protein forms R615H.
Identifiers: ClinVar variation 245883 (VCV000245883.50), dbSNP rs201640213, ClinGen allele CA6153793.